The following is an entry in ClinVar:

ClinVar aggregate classification (germline): Uncertain significance (1 of 4 stars; one submission).

Conditions:
Bloom syndrome (BLM). Also called: Bloom-Torre-Machacek syndrome. Identifiers: Orphanet 125, MedGen C0005859, MONDO:0008876, OMIM 210900.

Allele frequency attached by ClinVar (database versions not stated): gnomAD exomes below 0.00001.
gnomAD v4.1: 1 of 1,614,112 alleles (0.000062%); highest among the groups gnomAD compares: South Asian, 0.0011%; no homozygotes.

Submission:

Labcorp Genetics (formerly Invitae), Labcorp
Classification: Uncertain significance for Bloom syndrome. Last evaluated: 2022-09-11. Review status: criteria provided, single submitter. Criteria: Invitae Variant Classification Sherloc (09022015). Collection method: clinical testing. Allele origin: germline.
Comment: In summary, the available evidence is currently insufficient to determine the role of this variant in disease. Therefore, it has been classified as a Variant of Uncertain Significance. Advanced modeling of protein sequence and biophysical properties (such as structural, functional, and spatial information, amino acid conservation, physicochemical variation, residue mobility, and thermodynamic stability) performed at Invitae indicates that this missense variant is expected to disrupt BLM protein function. This variant has not been reported in the literature in individuals affected with BLM-related conditions. This variant is present in population databases (no rsID available, gnomAD 0.003%). This sequence change replaces arginine, which is basic and polar, with threonine, which is neutral and polar, at codon 813 of the BLM protein (p.Arg813Thr).

NM_000057.4(BLM):c.2438G>C (p.Arg813Thr)

Gene: BLM (BLM RecQ like helicase; plus strand). Cytogenetic location: 15q26.1.
Variant type: single nucleotide variant.
Coding change: c.2438G>C on transcript NM_000057.4 (MANE Select); coding-DNA position 2438, G replaced by C.
Protein change: p.Arg813Thr; replaces arginine 813 with threonine.
Molecular consequence: missense variant.
Genome position (GRCh38, 1-based): chr15:90,769,469, G>C. VCF-style: chr15-90769469-G-C. GRCh37 (hg19) VCF-style: chr15-91312699-G-C.
Other names: c.2438G>C, p.Arg813Thr (NM_001287246.2, NM_001287247.2); c.1313G>C, p.Arg438Thr (NM_001287248.2); short protein forms R438T, R813T.
Identifiers: ClinVar variation 1943560 (VCV001943560.5), dbSNP rs1274275865, ClinGen allele CA393845319.